The following is an entry in ClinVar:

ClinVar aggregate classification (germline): Uncertain significance. Review status: criteria provided, multiple submitters, no conflicts (2 of 4 stars). 3 submissions from 3 submitters: Uncertain significance (3). Last evaluated 2025-08-25.

Conditions:
PEX11B-related disorder. Also called: PEX11B-related condition.
Inborn genetic diseases. Identifiers: MedGen C0950123, MeSH D030342.

Allele frequency attached by ClinVar (database versions not stated): gnomAD exomes 0.00001 and 0.00002; TOPMed 0.00005; 1000 Genomes Project 30x 0.00016; 1000 Genomes Project 0.00020; ExAC 0.00001; gnomAD 0.00001.
gnomAD v4.1: 10 of 1,613,452 alleles (0.00062%); highest among the groups gnomAD compares: Admixed American, 0.0083%; no homozygotes.

Submissions (3):

PreventionGenetics, part of Exact Sciences
Classification: Uncertain significance for PEX11B-related condition. Last evaluated: 2025-08-25. Review status: criteria provided, single submitter. Criteria: ACMG Guidelines, 2015. Collection method: clinical testing. Allele origin: germline.
Comment: The PEX11B c.77C>G variant is predicted to result in the amino acid substitution p.Ser26Cys. To our knowledge, this variant has not been reported in the literature. This variant is reported in 0.0029% of alleles in individuals of Latino descent in gnomAD. At this time, the clinical significance of this variant is uncertain due to the absence of conclusive functional and genetic evidence.

Labcorp Genetics (formerly Invitae), Labcorp
Classification: Uncertain significance. Last evaluated: 2022-10-13. Review status: criteria provided, single submitter. Criteria: Invitae Variant Classification Sherloc (09022015). Collection method: clinical testing. Allele origin: germline.
Comment: This sequence change replaces serine, which is neutral and polar, with cysteine, which is neutral and slightly polar, at codon 26 of the PEX11B protein (p.Ser26Cys). This variant is present in population databases (rs587668751, gnomAD 0.006%). This variant has not been reported in the literature in individuals affected with PEX11B-related conditions. ClinVar contains an entry for this variant (Variation ID: 844148). Algorithms developed to predict the effect of missense changes on protein structure and function output the following: SIFT: "Deleterious"; PolyPhen-2: "Possibly Damaging"; Align-GVGD: "Class C15". The cysteine amino acid residue is found in multiple mammalian species, which suggests that this missense change does not adversely affect protein function. In summary, the available evidence is currently insufficient to determine the role of this variant in disease. Therefore, it has been classified as a Variant of Uncertain Significance.

Ambry Genetics
Classification: Uncertain significance for Inborn genetic diseases. Last evaluated: 2021-08-30. Review status: criteria provided, single submitter. Criteria: Ambry Variant Classification Scheme 2023. Collection method: clinical testing. Allele origin: germline.

NM_003846.3(PEX11B):c.77C>G (p.Ser26Cys)

Gene: PEX11B (peroxisomal biogenesis factor 11 beta; minus strand). Cytogenetic location: 1q21.1.
Variant type: single nucleotide variant.
Coding change: c.77C>G on transcript NM_003846.3 (MANE Select); coding-DNA position 77, C replaced by G.
Protein change: p.Ser26Cys; replaces serine 26 with cysteine.
Molecular consequence: missense variant. On other transcripts: non-coding transcript variant (3).
Genome position (GRCh38, 1-based): chr1:145,917,796, G>C on the plus strand (C>G on the coding strand, the complement: PEX11B is on the minus strand). VCF-style: chr1-145917796-G-C. GRCh37 (hg19) VCF-style: chr1-145517293-C-G.
Other names: c.35C>G, p.Ser12Cys (NM_001184795.1); short protein forms S12C, S26C.
Identifiers: ClinVar variation 844148 (VCV000844148.7), dbSNP rs587668751, ClinGen allele CA1055500.